The following is an entry in ClinVar:

NM_005431.2(XRCC2):c.121+8A>G

Gene: XRCC2 (X-ray repair cross complementing 2; minus strand). Cytogenetic location: 7q36.1.
Variant type: single nucleotide variant.
Coding change: c.121+8A>G on transcript NM_005431.2 (MANE Select); 8 bases into the intron after coding-DNA position 121, A replaced by G.
Molecular consequence: intron variant.
Genome position (GRCh38, 1-based): chr7:152,660,693, T>C on the plus strand (A>G on the coding strand, the complement: XRCC2 is on the minus strand). VCF-style: chr7-152660693-T-C. GRCh37 (hg19) VCF-style: chr7-152357778-T-C.
Identifiers: ClinVar variation 390485 (VCV000390485.5), dbSNP rs1057523790, ClinGen allele CA16605196.

ClinVar aggregate classification (germline): Likely benign. Review status: criteria provided, multiple submitters, no conflicts (2 of 4 stars). 2 submissions from 2 submitters: Likely benign (2). Last evaluated 2024-04-23.

Allele frequency attached by ClinVar (database versions not stated): gnomAD exomes below 0.00001 and 0.00002.
gnomAD v4.1: 30 of 1,601,828 alleles (0.0019%); highest among the groups gnomAD compares: Non-Finnish European, 0.0022%; no homozygotes.

Submissions (2):

Labcorp Genetics (formerly Invitae), Labcorp
Classification: Likely benign. Last evaluated: 2024-04-23. Review status: criteria provided, single submitter. Criteria: Invitae Variant Classification Sherloc (09022015). Collection method: clinical testing. Allele origin: germline.

GeneDx
Classification: Likely benign. Last evaluated: 2016-10-25. Review status: criteria provided, single submitter. Criteria: GeneDx Variant Classification (06012015). Collection method: clinical testing. Allele origin: germline. Affected: yes.
Comment: This variant is considered likely benign or benign based on one or more of the following criteria: it is a conservative change, it occurs at a poorly conserved position in the protein, it is predicted to be benign by multiple in silico algorithms, and/or has population frequency not consistent with disease.